The following is an entry in ClinVar:

NM_007137.5(ZNF81):c.550C>G (p.Leu184Val)

Gene: ZNF81 (zinc finger protein 81; plus strand). Cytogenetic location: Xp11.23.
Variant type: single nucleotide variant.
Coding change: c.550C>G on transcript NM_007137.5 (MANE Select); coding-DNA position 550, C replaced by G.
Protein change: p.Leu184Val; replaces leucine 184 with valine.
Molecular consequence: missense variant. On other transcripts: intron variant (2).
Genome position (GRCh38, 1-based): chrX:47,915,196, C>G. VCF-style: chrX-47915196-C-G. GRCh37 (hg19) VCF-style: chrX-47774595-C-G.
Other names: c.550C>G, p.Leu184Val (NM_001378152.1, NM_001378153.1); c.278-8728C>G (NM_001378154.1); c.278-6112C>G (NM_001378155.1); short protein forms L184V.
Identifiers: ClinVar variation 590247 (VCV000590247.5), dbSNP rs113131552, ClinGen allele CA10399895.
Genomic context (GRCh38, chrX:47,915,196, plus strand): 5'-GAGTGGGATTATGAATATAAAGACTTTGGAAAATTTGTTCATCCAAGCCCAAATCTCATT[C>G]TTTCACAGAAAAGACCCCATAAACGTGATTCATTTGGGAAGAGTTTTAAGCATAATTTAG-3'
Protein context (NP_009068.2, residues 174-194): KFVHPSPNLI[Leu184Val]SQKRPHKRDS

ClinVar aggregate classification (germline): Likely benign. Review status: criteria provided, single submitter (1 of 4 stars). 2 submissions from 2 submitters: Likely benign (1). 1 of the submissions does not count toward it. Last evaluated 2013-06-05.

Conditions:
ZNF81-related disorder. Also called: ZNF81-related condition.
History of neurodevelopmental disorder. Identifiers: MedGen C2711754.

Allele frequency attached by ClinVar (database versions not stated): gnomAD exomes 0.00015 and 0.00035; ExAC 0.00045; 1000 Genomes Project 0.00053; 1000 Genomes Project 30x 0.00062; gnomAD 0.00122 and 0.00135; TOPMed 0.00145; ESP Exome Variant Server 0.00170.
gnomAD v4.1: 311 of 1,202,595 alleles (0.026%); highest among the groups gnomAD compares: African/African-American, 0.46%; no homozygotes.

Submissions (2):

Ambry Genetics
Classification: Likely benign for History of neurodevelopmental disorder. Last evaluated: 2013-06-05. Review status: criteria provided, single submitter. Criteria: Ambry Autosomal Dominant and X-Linked criteria (10/2015). Collection method: clinical testing. Allele origin: germline. Observed: 1 variant allele.

PreventionGenetics, part of Exact Sciences
Classification: Likely benign for ZNF81-related condition. Last evaluated: 2022-07-27. Review status: no assertion criteria provided. Collection method: clinical testing. Allele origin: germline. Not counted in ClinVar's aggregate classification.
Comment: This variant is classified as likely benign based on ACMG/AMP sequence variant interpretation guidelines (Richards et al. 2015 PMID: 25741868, with internal and published modifications).